The following is an entry in ClinVar:

NM_001267550.2(TTN):c.29605-12T>C

Gene: TTN (titin; minus strand). Cytogenetic location: 2q31.2.
Variant type: single nucleotide variant.
Coding change: c.29605-12T>C on transcript NM_001267550.2 (MANE Select); 12 bases into the intron before coding-DNA position 29605, T replaced by C.
Molecular consequence: intron variant.
Genome position (GRCh38, 1-based): chr2:178,704,978, A>G on the plus strand (T>C on the coding strand, the complement: TTN is on the minus strand). VCF-style: chr2-178704978-A-G. GRCh37 (hg19) VCF-style: chr2-179569705-A-G.
Other names: c.13282+33104T>C (NM_003319.4); c.13858+33104T>C (NM_133437.4); c.13657+33104T>C (NM_133432.3); c.25873-12T>C (NM_133378.4); c.28654-12T>C (NM_001256850.1).
Identifiers: ClinVar variation 46822 (VCV000046822.38), dbSNP rs143352892, ClinGen allele CA210971.

ClinVar aggregate classification (germline): Benign/Likely benign. Review status: criteria provided, multiple submitters, no conflicts (2 of 4 stars). 19 submissions from 12 submitters: Benign (11); Likely benign (4). 4 of the submissions do not count toward it. Last evaluated 2026-02-03.

Conditions:
Dilated cardiomyopathy 1G (CMD1G). Identifiers: Orphanet 154, MedGen C1858763, MONDO:0011400, OMIM 604145.
Autosomal recessive limb-girdle muscular dystrophy type 2J (LGMDR10). Also called: MUSCULAR DYSTROPHY, LIMB-GIRDLE, AUTOSOMAL RECESSIVE 10; Limb-girdle muscular dystrophy, type 2J. Identifiers: Orphanet 140922, MedGen C1837342, MONDO:0012127, OMIM 608807.
Early-onset myopathy with fatal cardiomyopathy (CMYO5). Also called: CONGENITAL MYOPATHY 5 WITH CARDIOMYOPATHY; Salih Myopathy. Identifiers: Orphanet 289377, MedGen C2673677, MONDO:0012714, OMIM 611705. Disease mechanism: loss of function.
Myopathy, myofibrillar, 9, with early respiratory failure (MFM9). Also called: Myopathy, distal, with early respiratory failure, autosomal dominant; Hereditary myopathy with early respiratory failure; MYOPATHY, PROXIMAL, WITH EARLY RESPIRATORY MUSCLE INVOLVEMENT; EDSTROM MYOPATHY. Identifiers: Orphanet 178464, Orphanet 34521, MedGen C1863599, MONDO:0011362, OMIM 603689.
Tibial muscular dystrophy (TMD). Also called: Udd Distal Myopathy – Tibial Muscular Dystrophy; Tibial muscular dystrophy, tardive; UDD MYOPATHY. Identifiers: Orphanet 609, MedGen C1838244, MONDO:0010870, OMIM 600334.

Allele frequency attached by ClinVar (database versions not stated): 1000 Genomes Project 30x 0.00593; ESP Exome Variant Server 0.00144; gnomAD exomes 0.00218 and 0.00372; 1000 Genomes Project 0.00599; gnomAD 0.00104 and 0.00178; TOPMed 0.00104; ExAC 0.00429.
gnomAD v4.1: 3,476 of 1,611,396 alleles (0.22%); highest among the groups gnomAD compares: South Asian, 2.1%; 51 homozygotes.

Submissions (19):

Labcorp Genetics (formerly Invitae), Labcorp
Classification: Benign for Dilated cardiomyopathy 1G; Autosomal recessive limb-girdle muscular dystrophy type 2J. Last evaluated: 2026-02-03. Review status: criteria provided, single submitter. Criteria: Invitae Variant Classification Sherloc (09022015). Collection method: clinical testing. Allele origin: germline.

ARUP Laboratories, Molecular Genetics and Genomics, ARUP Laboratories
Classification: Benign. Last evaluated: 2025-06-23. Review status: criteria provided, single submitter. Criteria: ARUP Molecular Germline Variant Investigation Process 2024. Collection method: clinical testing. Allele origin: germline.

Genome-Nilou Lab
Classification: Benign for Autosomal recessive limb-girdle muscular dystrophy type 2J. Last evaluated: 2021-09-10. Review status: criteria provided, single submitter. Criteria: ACMG Guidelines, 2015. Collection method: clinical testing. Allele origin: germline. Affected: no.

Genome-Nilou Lab
Classification: Benign for Myopathy, myofibrillar, 9, with early respiratory failure. Last evaluated: 2021-09-10. Review status: criteria provided, single submitter. Criteria: ACMG Guidelines, 2015. Collection method: clinical testing. Allele origin: germline. Affected: no.

Genome-Nilou Lab
Classification: Benign for Early-onset myopathy with fatal cardiomyopathy. Last evaluated: 2021-09-10. Review status: criteria provided, single submitter. Criteria: ACMG Guidelines, 2015. Collection method: clinical testing. Allele origin: germline. Affected: no.

Genome-Nilou Lab
Classification: Benign for Tibial muscular dystrophy. Last evaluated: 2021-09-10. Review status: criteria provided, single submitter. Criteria: ACMG Guidelines, 2015. Collection method: clinical testing. Allele origin: germline. Affected: no.

Women's Health and Genetics/Laboratory Corporation of America, LabCorp
Classification: Benign. Last evaluated: 2020-01-06. Review status: criteria provided, single submitter. Criteria: LabCorp Variant Classification Summary - May 2015. Collection method: clinical testing. Allele origin: germline.

Illumina Laboratory Services, Illumina
Classification: Benign for Myopathy, myofibrillar, 9, with early respiratory failure. Last evaluated: 2018-01-12. Review status: criteria provided, single submitter. Criteria: ICSL Variant Classification Criteria 13 December 2019. Collection method: clinical testing. Allele origin: germline.
Comment: This variant was observed in the ICSL laboratory as part of a predisposition screen in an ostensibly healthy population. It had not been previously curated by ICSL or reported in the Human Gene Mutation Database (HGMD: prior to June 1st, 2018), and was therefore a candidate for classification through an automated scoring system. Utilizing variant allele frequency, disease prevalence and penetrance estimates, and inheritance mode, an automated score was calculated to assess if this variant is too frequent to cause the disease. Based on the score and internal cut-off values, a variant classified as benign is not then subjected to further curation. The score for this variant resulted in a classification of benign for this disease.

Illumina Laboratory Services, Illumina
Classification: Likely benign for Early-onset myopathy with fatal cardiomyopathy. Last evaluated: 2018-01-12. Review status: criteria provided, single submitter. Criteria: ICSL Variant Classification Criteria 13 December 2019. Collection method: clinical testing. Allele origin: germline.
Comment: This variant was observed in the ICSL laboratory as part of a predisposition screen in an ostensibly healthy population. It had not been previously curated by ICSL or reported in the Human Gene Mutation Database (HGMD: prior to June 1st, 2018), and was therefore a candidate for classification through an automated scoring system. Utilizing variant allele frequency, disease prevalence and penetrance estimates, and inheritance mode, an automated score was calculated to assess if this variant is too frequent to cause the disease. Based on the score and internal cut-off values, a variant classified as likely benign is not then subjected to further curation. The score for this variant resulted in a classification of likely benign for this disease.

Illumina Laboratory Services, Illumina
Classification: Likely benign for Autosomal recessive limb-girdle muscular dystrophy type 2J. Last evaluated: 2018-01-12. Review status: criteria provided, single submitter. Criteria: ICSL Variant Classification Criteria 13 December 2019. Collection method: clinical testing. Allele origin: germline.
Comment: the same text as in the submission from Illumina Laboratory Services, Illumina above.

Illumina Laboratory Services, Illumina
Classification: Likely benign for Dilated cardiomyopathy 1G. Last evaluated: 2018-01-12. Review status: criteria provided, single submitter. Criteria: ICSL Variant Classification Criteria 13 December 2019. Collection method: clinical testing. Allele origin: germline.
Comment: the same text as in the submission from Illumina Laboratory Services, Illumina above.

Illumina Laboratory Services, Illumina
Classification: Benign for Tibial muscular dystrophy. Last evaluated: 2018-01-12. Review status: criteria provided, single submitter. Criteria: ICSL Variant Classification Criteria 13 December 2019. Collection method: clinical testing. Allele origin: germline.
Comment: the same text as in the submission from Illumina Laboratory Services, Illumina above.

Laboratory for Molecular Medicine, Mass General Brigham Personalized Medicine
Classification: Benign. Last evaluated: 2015-02-25. Review status: criteria provided, single submitter. Criteria: LMM Criteria. Collection method: clinical testing. Allele origin: germline. Observed: 13 variant alleles.
Comment: c.25873-12T>C in intron 100 of TTN: This variant is not expected to have clinica l significance because it has been identified in 2.3% (385/16414) of South Asian chromosomes by the Exome Aggregation Consortium (ExAC; dbSNP rs143352892).

GeneDx
Classification: Benign. Last evaluated: 2012-12-19. Review status: criteria provided, single submitter. Criteria: GeneDx Variant Classification (06012015). Collection method: clinical testing. Allele origin: germline. Affected: yes.
Comment: This variant is considered likely benign or benign based on one or more of the following criteria: it is a conservative change, it occurs at a poorly conserved position in the protein, it is predicted to be benign by multiple in silico algorithms, and/or has population frequency not consistent with disease.

Breakthrough Genomics
Classification: Likely benign. Review status: criteria provided, single submitter. Criteria: ACMG Guidelines, 2015. Collection method: not provided. Allele origin: germline. Inheritance: Autosomal recessive inheritance. Affected: yes.

Clinical Genetics, Academic Medical Center
Classification: Benign. Review status: no assertion criteria provided. Collection method: clinical testing. Allele origin: germline. Affected: yes. Study: VKGL Data-share Consensus. Not counted in ClinVar's aggregate classification.

Diagnostic Laboratory, Department of Genetics, University Medical Center Groningen
Classification: Benign. Review status: no assertion criteria provided. Collection method: clinical testing. Allele origin: germline. Affected: yes. Study: VKGL Data-share Consensus. Not counted in ClinVar's aggregate classification.

Joint Genome Diagnostic Labs from Nijmegen and Maastricht, Radboudumc and MUMC+
Classification: Benign. Review status: no assertion criteria provided. Collection method: clinical testing. Allele origin: germline. Affected: yes. Study: VKGL Data-share Consensus. Not counted in ClinVar's aggregate classification.

Laboratory of Diagnostic Genome Analysis, Leiden University Medical Center (LUMC)
Classification: Likely benign. Review status: no assertion criteria provided. Collection method: clinical testing. Allele origin: germline. Affected: yes. Study: VKGL Data-share Consensus. Not counted in ClinVar's aggregate classification.